The following is an entry in ClinVar:

ClinVar aggregate classification (germline): Uncertain significance (1 of 4 stars; one submission).

Conditions:
Cardiovascular phenotype. Identifiers: MedGen CN230736.

Submission:

Ambry Genetics
Classification: Uncertain significance for Cardiovascular phenotype. Last evaluated: 2025-08-12. Review status: criteria provided, single submitter. Criteria: Ambry Variant Classification Scheme 2023. Collection method: clinical testing. Allele origin: germline.
Comment: The p.P2896L variant (also known as c.8687C>T), located in coding exon 26 of the APOB gene, results from a C to T substitution at nucleotide position 8687. The proline at codon 2896 is replaced by leucine, an amino acid with similar properties. This amino acid position is conserved. In addition, the in silico prediction for this alteration is inconclusive. Based on the available evidence, the clinical significance of this variant remains unclear.

NM_000384.3(APOB):c.8687C>T (p.Pro2896Leu)

Gene: APOB (apolipoprotein B; minus strand). Cytogenetic location: 2p24.1.
Variant type: single nucleotide variant.
Coding change: c.8687C>T on transcript NM_000384.3 (MANE Select); coding-DNA position 8687, C replaced by T.
Protein change: p.Pro2896Leu; replaces proline 2896 with leucine.
Molecular consequence: missense variant.
Genome position (GRCh38, 1-based): chr2:21,008,181, G>A on the plus strand (C>T on the coding strand, the complement: APOB is on the minus strand). VCF-style: chr2-21008181-G-A. GRCh37 (hg19) VCF-style: chr2-21231053-G-A.
Other names: short protein forms P2896L.
Identifiers: ClinVar variation 4125218 (VCV004125218.1).